The following is an entry in ClinVar:

ClinVar aggregate classification (germline): Uncertain significance (1 of 4 stars; one submission).

gnomAD v4.1: 1 of 1,613,616 alleles (0.000062%); highest among the groups gnomAD compares: African/African-American, 0.0013%; no homozygotes.

Submission:

Ambry Genetics
Classification: Uncertain significance. Last evaluated: 2025-03-17. Review status: criteria provided, single submitter. Criteria: Ambry Variant Classification Scheme 2023. Collection method: clinical testing. Allele origin: germline.
Comment: The p.F250S variant (also known as c.749T>C), located in coding exon 1 of the MC1R gene, results from a T to C substitution at nucleotide position 749. The phenylalanine at codon 250 is replaced by serine, an amino acid with highly dissimilar properties. This amino acid position is conserved. In addition, this alteration is predicted to be deleterious by in silico analysis. Based on the available evidence, the clinical significance of this variant remains unclear.

NM_002386.4(MC1R):c.749T>C (p.Phe250Ser)

Gene: MC1R (melanocortin 1 receptor; plus strand). Cytogenetic location: 16q24.3.
Variant type: single nucleotide variant.
Coding change: c.749T>C on transcript NM_002386.4 (MANE Select); coding-DNA position 749, T replaced by C.
Protein change: p.Phe250Ser; replaces phenylalanine 250 with serine.
Molecular consequence: missense variant.
Genome position (GRCh38, 1-based): chr16:89,920,007, T>C. VCF-style: chr16-89920007-T-C. GRCh37 (hg19) VCF-style: chr16-89986415-T-C.
Other names: short protein forms F250S.
Identifiers: ClinVar variation 4052388 (VCV004052388.1).